The following is an entry in ClinVar:

ClinVar aggregate classification (germline): Pathogenic (1 of 4 stars; one submission).

Conditions:
Parkinsonism-dystonia, infantile. Identifiers: Orphanet 238455, MedGen C2751067, MONDO:0013150.

Submission:

Women's Health and Genetics/Laboratory Corporation of America, LabCorp
Classification: Pathogenic for Parkinsonism-dystonia, infantile. Last evaluated: 2025-11-20. Review status: criteria provided, single submitter. Criteria: LabCorp Variant Classification Summary - May 2015. Collection method: clinical testing. Allele origin: germline.
Comment: Variant summary: The variant involves the deletion of exons 1-15 in the SLC6A3 gene. This deletion includes the entire coding sequence of the gene. As the exact proximal and distal breakpoints are unknown, it may extend beyond the annotated region of the gene to include other flanking genes. A presumed nomenclature of c.(?_-139)_(*1942_?)del has been designated for the purposes of this classification. The variant was absent in 21694 control chromosomes (gnomAD). To our knowledge, no occurrence of c.(?_-139)_(*1942_?)del in individuals affected with SLC6A3-related conditions and no experimental evidence demonstrating its impact on protein function have been reported. No submitters have cited clinical-significance assessments for this variant to ClinVar. Based on the evidence outlined above, the variant was classified as pathogenic.

NC_000005.9:g.(?_1392908)_(1445556_?)del

Gene: SLC6A3 (solute carrier family 6 member 3). Cytogenetic location: 5p15.33.
Variant type: Deletion.
Identifiers: ClinVar variation 4537266 (VCV004537266.1).